The following is an entry in ClinVar:

NM_020686.6(ABAT):c.*1075C>T

Gene: ABAT (4-aminobutyrate aminotransferase; plus strand). Cytogenetic location: 16p13.2.
Variant type: single nucleotide variant.
Coding change: c.*1075C>T on transcript NM_020686.6 (MANE Select); 1075 bases downstream of the stop codon, C replaced by T.
Molecular consequence: 3 prime UTR variant.
Genome position (GRCh38, 1-based): chr16:8,782,505, C>T. VCF-style: chr16-8782505-C-T. GRCh37 (hg19) VCF-style: chr16-8876362-C-T.
Other names: c.*1075C>T (NM_000663.5, NM_001127448.2, NM_001386600.1 and 14 more transcripts); c.*1089C>T (NM_001386609.1, NM_001386616.1).
Identifiers: ClinVar variation 886492 (VCV000886492.4), dbSNP rs117516993, ClinGen allele CA277476717.

ClinVar aggregate classification (germline): Likely benign (1 of 4 stars; one submission).

Conditions:
Gamma-aminobutyric acid transaminase deficiency (GABATD). Also called: GABA transaminase deficiency; Gamma aminobutyrate transaminase deficiency; 4 alpha aminobutyrate transaminase deficiency; GABA aminotransaminase deficiency. Identifiers: Orphanet 2066, MedGen C0342708, MONDO:0013166, OMIM 613163.

Allele frequency attached by ClinVar (database versions not stated): 1000 Genomes Project 30x 0.00250; 1000 Genomes Project 0.00260; gnomAD 0.00452 and 0.00462; TOPMed 0.00452.

Submission:

Illumina Laboratory Services, Illumina
Classification: Likely benign for Gamma-aminobutyric acid transaminase deficiency. Last evaluated: 2018-01-13. Review status: criteria provided, single submitter. Criteria: ICSL Variant Classification Criteria 13 December 2019. Collection method: clinical testing. Allele origin: germline.
Comment: This variant was observed in the ICSL laboratory as part of a predisposition screen in an ostensibly healthy population. It had not been previously curated by ICSL or reported in the Human Gene Mutation Database (HGMD: prior to June 1st, 2018), and was therefore a candidate for classification through an automated scoring system. Utilizing variant allele frequency, disease prevalence and penetrance estimates, and inheritance mode, an automated score was calculated to assess if this variant is too frequent to cause the disease. Based on the score and internal cut-off values, a variant classified as likely benign is not then subjected to further curation. The score for this variant resulted in a classification of likely benign for this disease.